The following is an entry in ClinVar:

ClinVar aggregate classification (germline): Uncertain significance (1 of 4 stars; one submission).

Conditions:
Hypertrophic cardiomyopathy 26. Also called: Cardiomyopathy, familial hypertrophic, 26. Identifiers: Orphanet 75249, MedGen C4310749, MONDO:0014883, OMIM 617047.
Myofibrillar myopathy 5. Also called: Filaminopathy (type); FILAMINOPATHY, AUTOSOMAL DOMINANT. Identifiers: Orphanet 171445, MedGen C1836050, MONDO:0012289, OMIM 609524.
Distal myopathy with posterior leg and anterior hand involvement. Also called: WILLIAMS DISTAL MYOPATHY. Identifiers: Orphanet 63273, MedGen C3279722, MONDO:0013550, OMIM 614065.

Submission:

Labcorp Genetics (formerly Invitae), Labcorp
Classification: Uncertain significance for Distal myopathy with posterior leg and anterior hand involvement; Myofibrillar myopathy 5; Hypertrophic cardiomyopathy 26. Last evaluated: 2025-07-27. Review status: criteria provided, single submitter. Criteria: Invitae Variant Classification Sherloc (09022015). Collection method: clinical testing. Allele origin: germline.
Comment: This sequence change replaces glutamine, which is neutral and polar, with arginine, which is basic and polar, at codon 213 of the FLNC protein (p.Gln213Arg). This variant is not present in population databases (gnomAD no frequency). This variant has not been reported in the literature in individuals affected with FLNC-related conditions. Invitae Evidence Modeling of protein sequence and biophysical properties (such as structural, functional, and spatial information, amino acid conservation, physicochemical variation, residue mobility, and thermodynamic stability) has been performed for this missense variant. However, the output from this modeling did not meet the statistical confidence thresholds required to predict the impact of this variant on FLNC protein function. In summary, the available evidence is currently insufficient to determine the role of this variant in disease. Therefore, it has been classified as a Variant of Uncertain Significance.

NM_001458.5(FLNC):c.638A>G (p.Gln213Arg)

Gene: FLNC (filamin C; plus strand). Cytogenetic location: 7q32.1.
Variant type: single nucleotide variant.
Coding change: c.638A>G on transcript NM_001458.5 (MANE Select); coding-DNA position 638, A replaced by G.
Protein change: p.Gln213Arg; replaces glutamine 213 with arginine.
Molecular consequence: missense variant.
Genome position (GRCh38, 1-based): chr7:128,837,196, A>G. VCF-style: chr7-128837196-A-G. GRCh37 (hg19) VCF-style: chr7-128477250-A-G.
Other names: c.638A>G, p.Gln213Arg (NM_001127487.2); short protein forms Q213R.
Identifiers: ClinVar variation 4812397 (VCV004812397.1).
Genomic context (GRCh38, chr7:128,837,196, plus strand): 5'-CGTCTCCCTCCATCACCTCTCCAGGTCTCTGCCCCGACTGGGAGGCCTGGGACCCCAACC[A>G]GCCCGTGGAGAACGCCCGGGAGGCCATGCAGCAGGCCGACGACTGGCTTGGGGTGCCCCA-3'
Protein context (NP_001449.3, residues 203-223): CPDWEAWDPN[Gln213Arg]PVENAREAMQ